The following is an entry in ClinVar:

NM_020717.5(SHROOM4):c.2440A>C (p.Met814Leu)

Gene: SHROOM4 (shroom family member 4; minus strand). Cytogenetic location: Xp11.22.
Variant type: single nucleotide variant.
Coding change: c.2440A>C on transcript NM_020717.5 (MANE Select); coding-DNA position 2440, A replaced by C.
Protein change: p.Met814Leu; replaces methionine 814 with leucine.
Molecular consequence: missense variant. On other transcripts: non-coding transcript variant (4).
Genome position (GRCh38, 1-based): chrX:50,633,633, T>G on the plus strand (A>C on the coding strand, the complement: SHROOM4 is on the minus strand). VCF-style: chrX-50633633-T-G. GRCh37 (hg19) VCF-style: chrX-50376633-T-G.
Other names: short protein forms M814L.
Identifiers: ClinVar variation 1699113 (VCV001699113.4), dbSNP rs1313449720, ClinGen allele CA413114864.

ClinVar aggregate classification (germline): Uncertain significance (1 of 4 stars; one submission).

Conditions:
Intellectual developmental disorder, X-linked, syndromic, Stocco dos Santos type. Also called: STOCCO DOS SANTOS X-LINKED MENTAL RETARDATION SYNDROME; Stocco dos Santos syndrome; X-linked intellectual disability, Stocco dos Santos type. Identifiers: Orphanet 85288, MedGen C1845530, MONDO:0010325, OMIM 300434.

Submission:

Victorian Clinical Genetics Services, Murdoch Childrens Research Institute
Classification: Uncertain significance for Intellectual developmental disorder, X-linked, syndromic, Stocco dos Santos type. Last evaluated: 2020-06-11. Review status: criteria provided, single submitter. Criteria: ACMG Guidelines, 2015. Collection method: clinical testing. Allele origin: germline. Inheritance: X-linked inheritance.
Comment: Based on the classification scheme VCGS_Germline_v1.1.1, this variant is classified as 3C-VUS. Following criteria are met: 0105 - The mechanism of disease for this gene is not clearly established. (N) 0106 - This gene is known to be associated with autosomal recessive disease. (N) 0200 - Variant is predicted to result in a missense amino acid change from a methionine to a leucine (exon 4). (N) 0253 - Variant is hemizygous. (N) 0301 - Variant is absent from gnomAD. (P) 0309 - An alternative amino acid change at the same position has been observed in gnomAD (6 heterozygotes, 0 homozygotes, 1 hemizygote). (N) 0503 - Missense variant consistently predicted to be tolerated or not conserved in mammals with a minor amino acid change. (B) 0604 - Variant is not located in an established domain, motif, hotspot or informative constraint region. (N) 0705 - No comparable variants have previous evidence for pathogenicity. (N) 0807 - Variant has not previously been reported in a clinical context. (N) 0905 - No segregation evidence has been identified for this variant. (N) 1007 - No published functional evidence has been identified for this variant. (N) Legend: (P) - Pathogenic, (N) - Neutral, (B) - Benign